The following is an entry in ClinVar:

NM_177965.4(CFAP418):c.308+6T>C

Gene: CFAP418 (cilia and flagella associated protein 418; minus strand). Cytogenetic location: 8q22.1.
Variant type: single nucleotide variant.
Coding change: c.308+6T>C on transcript NM_177965.4 (MANE Select); 6 bases into the intron after coding-DNA position 308, T replaced by C.
Molecular consequence: intron variant.
Genome position (GRCh38, 1-based): chr8:95,260,462, A>G on the plus strand (T>C on the coding strand, the complement: CFAP418 is on the minus strand). VCF-style: chr8-95260462-A-G. GRCh37 (hg19) VCF-style: chr8-96272690-A-G.
Other names: c.308+6T>C (NM_001363260.1).
Identifiers: ClinVar variation 3030454 (VCV003030454.2), dbSNP rs377011995, ClinGen allele CA4815194.

ClinVar aggregate classification (germline): Likely benign (0 of 4 stars; one submission).

Conditions:
CFAP418-related disorder. Also called: CFAP418-related condition.

Allele frequency attached by ClinVar (database versions not stated): gnomAD exomes below 0.00001; gnomAD 0.00001; ExAC 0.00002; TOPMed 0.00002; ESP Exome Variant Server 0.00008.
gnomAD v4.1: 6 of 1,580,848 alleles (0.00038%); highest among the groups gnomAD compares: African/African-American, 0.0082%; no homozygotes.

Submission:

PreventionGenetics, part of Exact Sciences
Classification: Likely benign for CFAP418-related condition. Last evaluated: 2022-05-27. Review status: no assertion criteria provided. Collection method: clinical testing. Allele origin: germline.
Comment: This variant is classified as likely benign based on ACMG/AMP sequence variant interpretation guidelines (Richards et al. 2015 PMID: 25741868, with internal and published modifications).